The following is an entry in ClinVar:

ClinVar aggregate classification (germline): Conflicting classifications of pathogenicity. Review status: criteria provided, conflicting classifications (1 of 4 stars). 5 submissions from 5 submitters: Uncertain significance (1); Benign (2); Likely benign (1). 1 of the submissions does not count toward it. Last evaluated 2026-01-05.

Conditions:
Inborn genetic diseases. Identifiers: MedGen C0950123, MeSH D030342.
MID1-related disorder. Also called: MID1-related condition.

Allele frequency attached by ClinVar (database versions not stated): TOPMed 0.00021; gnomAD 0.00028 and 0.00030; gnomAD exomes 0.00054 and 0.00027; ESP Exome Variant Server 0.00028; ExAC 0.00014.
gnomAD v4.1: 617 of 1,208,585 alleles (0.051%); highest among the groups gnomAD compares: Non-Finnish European, 0.065%; no homozygotes.

Submissions (5):

Labcorp Genetics (formerly Invitae), Labcorp
Classification: Benign. Last evaluated: 2026-01-05. Review status: criteria provided, single submitter. Criteria: Invitae Variant Classification Sherloc (09022015). Collection method: clinical testing. Allele origin: germline.

Blueprint Genetics
Classification: Likely benign. Last evaluated: 2024-10-04. Review status: criteria provided, single submitter. Criteria: ACMG Guidelines, 2015. Collection method: clinical testing. Allele origin: germline.

Ambry Genetics
Classification: Benign for Inborn genetic diseases. Last evaluated: 2018-10-12. Review status: criteria provided, single submitter. Criteria: Ambry Variant Classification Scheme 2023. Collection method: clinical testing. Allele origin: germline.

Eurofins Ntd Llc (ga)
Classification: Uncertain significance. Last evaluated: 2013-04-24. Review status: criteria provided, single submitter. Criteria: EGL Classification Definitions 2015. Collection method: clinical testing. Allele origin: germline. Observed: 2 variant alleles, 1 heterozygote, 1 hemizygote.

PreventionGenetics, part of Exact Sciences
Classification: Likely benign for MID1-related condition. Last evaluated: 2019-08-08. Review status: no assertion criteria provided. Collection method: clinical testing. Allele origin: germline. Not counted in ClinVar's aggregate classification.
Comment: This variant is classified as likely benign based on ACMG/AMP sequence variant interpretation guidelines (Richards et al. 2015 PMID: 25741868, with internal and published modifications).

NM_000381.4(MID1):c.1988C>T (p.Thr663Ile)

Genes: MID1 (midline 1; minus strand), LOC126863207 (BRD4-independent group 4 enhancer GRCh37_chrX:10416979-10418178; plus strand). Cytogenetic location: Xp22.2.
Variant type: single nucleotide variant.
Coding change: c.1988C>T on transcript NM_000381.4 (MANE Select); coding-DNA position 1988, C replaced by T.
Protein change: p.Thr663Ile; replaces threonine 663 with isoleucine.
Molecular consequence: missense variant.
Genome position (GRCh38, 1-based): chrX:10,449,384, G>A on the plus strand (C>T on the coding strand, the complement: MID1 is on the minus strand). VCF-style: chrX-10449384-G-A. GRCh37 (hg19) VCF-style: chrX-10417424-G-A.
Other names: c.1988C>T, p.Thr663Ile (NM_001098624.2, NM_001193277.1, NM_001347733.2 and 1 more transcripts); c.1874C>T, p.Thr625Ile (NM_033289.2); short protein forms T663I, T625I.
Identifiers: ClinVar variation 92877 (VCV000092877.19), dbSNP rs138558359, ClinGen allele CA220693.
Genomic context (GRCh38, chrX:10,449,384, plus strand): 5'-GAACCTTACTGTTCCCCAGAAAGCAGCTCCATGTGGCCAGACGCTCACGGCAGCTGCTCT[G>A]TGCAGTCCAAATGGTCTGGGATAGGGAGCCCAGTGATAATCGTCAGACACTTGTTCCACA-3'
Protein context (NP_000372.1, residues 653-667): GLPIPDHLDC[Thr663Ile]EQLP